The following is an entry in ClinVar:

NM_000038.6(APC):c.834+588T>A

Gene: APC (APC regulator of WNT signaling pathway; plus strand). Cytogenetic location: 5q22.2.
Variant type: single nucleotide variant.
Coding change: c.834+588T>A on transcript NM_000038.6 (MANE Select); 588 bases into the intron after coding-DNA position 834, T replaced by A.
Molecular consequence: intron variant.
Genome position (GRCh38, 1-based): chr5:112,801,971, T>A. VCF-style: chr5-112801971-T-A. GRCh37 (hg19) VCF-style: chr5-112137668-T-A.
Other names: c.834+588T>A (NM_001354895.2, NM_001127510.3, NM_001354896.2 and 1 more transcripts); c.864+588T>A (NM_001354897.2, NM_001354902.2); c.780+588T>A (NM_001127511.3); c.759+588T>A (NM_001354898.2, NM_001354904.2); c.-202+588T>A (NM_001354906.2); c.750+588T>A (NM_001354899.2); c.657+588T>A (NM_001354900.2, NM_001354901.2, NM_001354905.2).
Identifiers: ClinVar variation 82513 (VCV000082513.2), dbSNP rs74410990, ClinGen allele CA014966.
Genomic context (GRCh38, chr5:112,801,971, plus strand): 5'-TCAGCAAAATTATGAAAGTAAACTTTTTTTTTTTACATACAGAACTGTTATTTGTTATGC[T>A]ACCATCCGTTATCTTATTAGATTTTTATTGAAATACAGTGCAATAGGACAGAATTTTTCT-3'

ClinVar aggregate classification (germline): other (0 of 4 stars; one submission).

Conditions:
Familial colorectal cancer. Identifiers: MedGen CN280943, MONDO:0023113. Disease mechanism: loss of function.

Submission:

Systems Biology Platform Zhejiang California International NanoSystems Institute
Classification: other for Familial colorectal cancer. Review status: no assertion criteria provided. Collection method: not provided. Allele origin: unknown.
ClinVar note: Converted during submission from cancer to other.